The following is an entry in ClinVar:

NM_001386795.1(DTNA):c.1971T>G (p.Ser657=)

Gene: DTNA (dystrobrevin alpha; plus strand). Cytogenetic location: 18q12.1.
Variant type: single nucleotide variant.
Coding change: c.1971T>G on transcript NM_001386795.1 (MANE Select); coding-DNA position 1971, T replaced by G.
Protein change: p.Ser657=; no amino-acid change (serine 657 retained).
Molecular consequence: synonymous variant.
Genome position (GRCh38, 1-based): chr18:34,877,786, T>G. VCF-style: chr18-34877786-T-G. GRCh37 (hg19) VCF-style: chr18-32457750-T-G.
Other names: c.1710T>G, p.Ser570= (NM_001198938.2, NM_001198940.2, NM_001386753.1 and 5 more transcripts); c.1731T>G, p.Ser577= (NM_001198939.2); c.1017T>G, p.Ser339= (NM_001198942.1); c.960T>G, p.Ser320= (NM_001198943.1); c.846T>G, p.Ser282= (NM_001198944.1); c.1800T>G, p.Ser600= (NM_001386754.1, NM_001386755.1, NM_001386756.1 and 3 more transcripts); c.1797T>G, p.Ser599= (NM_001386760.1); c.1719T>G, p.Ser573= (NM_001386761.1, NM_032975.4); and 5 more.
Identifiers: ClinVar variation 179263 (VCV000179263.6), dbSNP rs199855849, ClinGen allele CA184072.

ClinVar aggregate classification (germline): Likely benign. Review status: criteria provided, multiple submitters, no conflicts (2 of 4 stars). 2 submissions from 2 submitters: Likely benign (2). Last evaluated 2024-06-13.

Conditions:
Left ventricular noncompaction 1 (LVNC1). Also called: LEFT VENTRICULAR NONCOMPACTION 1 WITH OR WITHOUT CONGENITAL HEART DEFECTS. Identifiers: Orphanet 54260, MedGen C1858725, MONDO:0011403, OMIM 604169.

Allele frequency attached by ClinVar (database versions not stated): TOPMed 0.00001.
gnomAD v4.1: 4 of 1,613,946 alleles (0.00025%); highest among the groups gnomAD compares: Non-Finnish European, 0.00034%; no homozygotes.

Submissions (2):

Labcorp Genetics (formerly Invitae), Labcorp
Classification: Likely benign for Left ventricular noncompaction 1. Last evaluated: 2024-06-13. Review status: criteria provided, single submitter. Criteria: Invitae Variant Classification Sherloc (09022015). Collection method: clinical testing. Allele origin: germline.

Laboratory for Molecular Medicine, Mass General Brigham Personalized Medicine
Classification: Likely benign. Last evaluated: 2013-08-23. Review status: criteria provided, single submitter. Criteria: LMM Criteria. Collection method: clinical testing. Allele origin: germline. Observed: 1 variant allele.
Comment: Ser573Ser in exon 18 of DTNA: This variant is not expected to have clinical sig nificance because it does not alter the amino acid residue and is not located wi thin a splice consensus sequence. It has been identified in 1/1324 European chr omosomes by the ClinSeq Project (dbSNP rs199855849). Ser573Ser in exon 18 of DT NA (rs199855849; allele frequency = 1/1324)